The following is an entry in ClinVar:

ClinVar aggregate classification (germline): Conflicting classifications of pathogenicity. Review status: criteria provided, conflicting classifications (1 of 4 stars). 2 submissions from 2 submitters: Uncertain significance (1); Likely benign (1). Last evaluated 2023-12-01.

Conditions:
Rafiq syndrome (RAFQS). Identifiers: Orphanet 88616, MedGen C3280127, MONDO:0013624, OMIM 614202.

Allele frequency attached by ClinVar (database versions not stated): gnomAD 0.00001; gnomAD exomes 0.00001.

Submissions (2):

CeGaT Center for Human Genetics Tuebingen
Classification: Likely benign. Last evaluated: 2023-12-01. Review status: criteria provided, single submitter. Criteria: CeGaT Center For Human Genetics Tuebingen Variant Classification Criteria Version 2. Collection method: clinical testing. Allele origin: germline. Affected: yes. Observed: 1 variant allele.
Comment: MAN1B1: BP4, BP7

Illumina Laboratory Services, Illumina
Classification: Uncertain significance for Rafiq syndrome. Last evaluated: 2017-04-27. Review status: criteria provided, single submitter. Criteria: ICSL Variant Classification Criteria 13 December 2019. Collection method: clinical testing. Allele origin: germline.

NM_016219.5(MAN1B1):c.678A>C (p.Ala226=)

Gene: MAN1B1 (mannosidase alpha class 1B member 1; plus strand). Cytogenetic location: 9q34.3.
Variant type: single nucleotide variant.
Coding change: c.678A>C on transcript NM_016219.5 (MANE Select); coding-DNA position 678, A replaced by C.
Protein change: p.Ala226=; no amino-acid change (alanine 226 retained).
Molecular consequence: synonymous variant. On other transcripts: non-coding transcript variant (2).
Genome position (GRCh38, 1-based): chr9:137,097,885, A>C. VCF-style: chr9-137097885-A-C. GRCh37 (hg19) VCF-style: chr9-139992337-A-C.
Identifiers: ClinVar variation 912428 (VCV000912428.26), dbSNP rs1430903884, ClinGen allele CA467777094.